The following is an entry in ClinVar:

NM_001130823.3(DNMT1):c.3874C>A (p.Arg1292Ser)

Gene: DNMT1 (DNA methyltransferase 1; minus strand). Cytogenetic location: 19p13.2.
Variant type: single nucleotide variant.
Coding change: c.3874C>A on transcript NM_001130823.3 (MANE Select); coding-DNA position 3874, C replaced by A.
Protein change: p.Arg1292Ser; replaces arginine 1292 with serine.
Molecular consequence: missense variant.
Genome position (GRCh38, 1-based): chr19:10,139,750, G>T on the plus strand (C>A on the coding strand, the complement: DNMT1 is on the minus strand). VCF-style: chr19-10139750-G-T. GRCh37 (hg19) VCF-style: chr19-10250426-G-T.
Other names: c.3826C>A, p.Arg1276Ser (NM_001318730.2, NM_001379.4); c.3511C>A, p.Arg1171Ser (NM_001318731.2); short protein forms R1276S, R1171S, R1292S.
Identifiers: ClinVar variation 2886985 (VCV002886985.3), dbSNP rs2513777628, ClinGen allele CA403972401.
Genomic context (GRCh38, chr19:10,139,750, plus strand): 5'-AGGTGCACTGATAGCCCATGCGGACCAGGCAGCGGAGGGTGAGCTTCAGGACCATGGAGC[G>T]CTTGAAGGAGACAAAGTTCCTGACATTCTCCAGGAGGAAGAACCGGGGCCGGTAGTAGTC-3'
Protein context (NP_001124295.1, residues 1282-1302): ENVRNFVSFK[Arg1292Ser]SMVLKLTLRC

ClinVar aggregate classification (germline): Uncertain significance (1 of 4 stars; one submission).

Conditions:
Hereditary sensory neuropathy-deafness-dementia syndrome. Also called: HSN IE; NEUROPATHY, HEREDITARY SENSORY, WITH HEARING LOSS AND DEMENTIA; Hereditary sensory neuropathy type IE; Hereditary Sensory and Autonomic Neuropathy Type 1E (HSAN1E). Identifiers: Orphanet 456318, MedGen C3279885, MONDO:0013584, OMIM 614116.

Submission:

Labcorp Genetics (formerly Invitae), Labcorp
Classification: Uncertain significance for Hereditary sensory neuropathy-deafness-dementia syndrome. Last evaluated: 2023-04-09. Review status: criteria provided, single submitter. Criteria: Invitae Variant Classification Sherloc (09022015). Collection method: clinical testing. Allele origin: germline.
Comment: In summary, the available evidence is currently insufficient to determine the role of this variant in disease. Therefore, it has been classified as a Variant of Uncertain Significance. Advanced modeling of protein sequence and biophysical properties (such as structural, functional, and spatial information, amino acid conservation, physicochemical variation, residue mobility, and thermodynamic stability) performed at Invitae indicates that this missense variant is not expected to disrupt DNMT1 protein function. This variant has not been reported in the literature in individuals affected with DNMT1-related conditions. This variant is not present in population databases (gnomAD no frequency). This sequence change replaces arginine, which is basic and polar, with serine, which is neutral and polar, at codon 1292 of the DNMT1 protein (p.Arg1292Ser).